The following is an entry in ClinVar:

ClinVar aggregate classification (germline): Conflicting classifications of pathogenicity. Review status: criteria provided, conflicting classifications (1 of 4 stars). 3 submissions from 3 submitters: Uncertain significance (2); Likely benign (1). Last evaluated 2024-02-09.

Conditions:
Hereditary breast ovarian cancer syndrome. Also called: Hereditary breast and ovarian cancer syndrome; Hereditary breast and ovarian cancer; Hereditary breast and ovarian cancer syndrome (HBOC); Breast and ovarian cancer; Hereditary breast and/or ovarian cancer syndrome; BRCA1- and BRCA2-Associated Hereditary Breast and Ovarian Cancer. Identifiers: Orphanet 145, MedGen C0677776, MeSH D061325, MONDO:0003582. Disease mechanism: loss of function.
Hereditary cancer-predisposing syndrome. Also called: Neoplastic Syndromes, Hereditary; Tumor predisposition; Hereditary neoplastic syndrome; Hereditary Cancer Syndrome. Identifiers: Orphanet 140162, MedGen C0027672, MeSH D009386, MONDO:0015356.

Allele frequency attached by ClinVar (database versions not stated): TOPMed below 0.00001.

Submissions (3):

Labcorp Genetics (formerly Invitae), Labcorp
Classification: Uncertain significance for Hereditary breast ovarian cancer syndrome. Last evaluated: 2024-02-09. Review status: criteria provided, single submitter. Criteria: Invitae Variant Classification Sherloc (09022015). Collection method: clinical testing. Allele origin: germline.
Comment: This sequence change replaces glutamic acid, which is acidic and polar, with lysine, which is basic and polar, at codon 1695 of the BRCA2 protein (p.Glu1695Lys). This variant is not present in population databases (gnomAD no frequency). This variant has not been reported in the literature in individuals affected with BRCA2-related conditions. ClinVar contains an entry for this variant (Variation ID: 825424). Advanced modeling of protein sequence and biophysical properties (such as structural, functional, and spatial information, amino acid conservation, physicochemical variation, residue mobility, and thermodynamic stability) performed at Invitae indicates that this missense variant is not expected to disrupt BRCA2 protein function with a negative predictive value of 95%. In summary, the available evidence is currently insufficient to determine the role of this variant in disease. Therefore, it has been classified as a Variant of Uncertain Significance.

University of Washington Department of Laboratory Medicine, University of Washington
Classification: Likely benign for Hereditary cancer-predisposing syndrome. Last evaluated: 2023-03-23. Review status: criteria provided, single submitter. Criteria: Dines et al. (Genet Med. 2020). Collection method: curation. Allele origin: germline.
Comment: Missense variant in a coldspot region where missense variants are very unlikely to be pathogenic (PMID:31911673).

BRCA2 exon 11 coldspot. Reclassification based on statistical prior probability.

Ambry Genetics
Classification: Uncertain significance for Hereditary cancer-predisposing syndrome. Last evaluated: 2019-11-26. Review status: criteria provided, single submitter. Criteria: Ambry Variant Classification Scheme 2023. Collection method: clinical testing. Allele origin: germline.
Comment: The p.E1695K variant (also known as c.5083G>A), located in coding exon 10 of the BRCA2 gene, results from a G to A substitution at nucleotide position 5083. The glutamic acid at codon 1695 is replaced by lysine, an amino acid with similar properties. This amino acid position is well conserved in available vertebrate species. In addition, the in silico prediction for this alteration is inconclusive. Since supporting evidence is limited at this time, the clinical significance of this alteration remains unclear.

NM_000059.4(BRCA2):c.5083G>A (p.Glu1695Lys)

Gene: BRCA2 (BRCA2 DNA repair associated; plus strand). Cytogenetic location: 13q13.1.
Variant type: single nucleotide variant.
Coding change: c.5083G>A on transcript NM_000059.4 (MANE Select); coding-DNA position 5083, G replaced by A.
Protein change: p.Glu1695Lys; replaces glutamic acid 1695 with lysine.
Molecular consequence: missense variant.
Genome position (GRCh38, 1-based): chr13:32,339,438, G>A. VCF-style: chr13-32339438-G-A. GRCh37 (hg19) VCF-style: chr13-32913575-G-A.
Other names: short protein forms E1695K.
Identifiers: ClinVar variation 825424 (VCV000825424.9), dbSNP rs938190132, ClinGen allele CA247508982.